The following is an entry in ClinVar:

NM_000059.4(BRCA2):c.9335A>G (p.Asp3112Gly)

Gene: BRCA2 (BRCA2 DNA repair associated; plus strand). Cytogenetic location: 13q13.1.
Variant type: single nucleotide variant.
Coding change: c.9335A>G on transcript NM_000059.4 (MANE Select); coding-DNA position 9335, A replaced by G.
Protein change: p.Asp3112Gly; replaces aspartic acid 3112 with glycine.
Molecular consequence: missense variant.
Genome position (GRCh38, 1-based): chr13:32,394,767, A>G. VCF-style: chr13-32394767-A-G. GRCh37 (hg19) VCF-style: chr13-32968904-A-G.
Other names: short protein forms D3112G.
Identifiers: ClinVar variation 409566 (VCV000409566.12), dbSNP rs1060502469, ClinGen allele CA16614027.

ClinVar aggregate classification (germline): Uncertain significance. Review status: criteria provided, multiple submitters, no conflicts (2 of 4 stars). 2 submissions from 2 submitters: Uncertain significance (2). Last evaluated 2023-12-05.

Conditions:
Hereditary breast ovarian cancer syndrome. Also called: Hereditary breast and ovarian cancer; Hereditary breast and/or ovarian cancer syndrome; BRCA1- and BRCA2-Associated Hereditary Breast and Ovarian Cancer; Hereditary breast and ovarian cancer syndrome; Hereditary breast and ovarian cancer syndrome (HBOC); Breast and ovarian cancer. Identifiers: Orphanet 145, MedGen C0677776, MeSH D061325, MONDO:0003582. Disease mechanism: loss of function.
Hereditary cancer-predisposing syndrome. Also called: Tumor predisposition; Hereditary Cancer Syndrome; Hereditary neoplastic syndrome; Neoplastic Syndromes, Hereditary. Identifiers: Orphanet 140162, MedGen C0027672, MeSH D009386, MONDO:0015356.

Allele frequency attached by ClinVar (database versions not stated): TOPMed below 0.00001; gnomAD 0.00001.
gnomAD v4.1: 1 of 1,613,970 alleles (0.000062%); highest among the groups gnomAD compares: East Asian, 0.0022%; no homozygotes.

Submissions (2):

Color Diagnostics, LLC DBA Color Health
Classification: Uncertain significance for Hereditary cancer-predisposing syndrome. Last evaluated: 2023-12-05. Review status: criteria provided, single submitter. Criteria: ACMG Guidelines, 2015. Collection method: clinical testing. Allele origin: germline.
Comment: This missense variant replaces aspartic acid with glycine at codon 3112 of the BRCA2 protein. Computational prediction suggests that this variant may have deleterious impact on protein structure and function (internally defined REVEL score threshold >= 0.7, PMID: 27666373). To our knowledge, functional studies have not been reported for this variant. This variant has not been reported in individuals affected with BRCA2-related disorders in the literature. This variant has not been identified in the general population by the Genome Aggregation Database (gnomAD). The available evidence is insufficient to determine the role of this variant in disease conclusively. Therefore, this variant is classified as a Variant of Uncertain Significance.

Labcorp Genetics (formerly Invitae), Labcorp
Classification: Uncertain significance for Hereditary breast ovarian cancer syndrome. Last evaluated: 2023-06-20. Review status: criteria provided, single submitter. Criteria: Invitae Variant Classification Sherloc (09022015). Collection method: clinical testing. Allele origin: germline.
Comment: Advanced modeling performed at Invitae incorporating data from internal and/or published experimental studies (PMID: 33609447) indicates that this missense variant is not expected to disrupt BRCA2 function. In summary, the available evidence is currently insufficient to determine the role of this variant in disease. Therefore, it has been classified as a Variant of Uncertain Significance. ClinVar contains an entry for this variant (Variation ID: 409566). This variant has not been reported in the literature in individuals affected with BRCA2-related conditions. This variant is not present in population databases (gnomAD no frequency). This sequence change replaces aspartic acid, which is acidic and polar, with glycine, which is neutral and non-polar, at codon 3112 of the BRCA2 protein (p.Asp3112Gly).

Literature cited by the submitters: PubMed 33609447 (cited by Labcorp Genetics (formerly Invitae), Labcorp).